The following is an entry in ClinVar:

NM_002676.3(PMM1):c.9C>T (p.Val3=)

Gene: PMM1 (phosphomannomutase 1; minus strand). Cytogenetic location: 22q13.2.
Variant type: single nucleotide variant.
Coding change: c.9C>T on transcript NM_002676.3 (MANE Select); coding-DNA position 9, C replaced by T.
Protein change: p.Val3=; no amino-acid change (valine 3 retained).
Molecular consequence: synonymous variant.
Genome position (GRCh38, 1-based): chr22:41,589,797, G>A on the plus strand (C>T on the coding strand, the complement: PMM1 is on the minus strand). VCF-style: chr22-41589797-G-A. GRCh37 (hg19) VCF-style: chr22-41985801-G-A.
Identifiers: ClinVar variation 4084277 (VCV004084277.8).

ClinVar aggregate classification (germline): Likely benign (1 of 4 stars; one submission).

gnomAD v4.1: 1,097 of 1,606,636 alleles (0.068%); highest among the groups gnomAD compares: African/African-American, 0.93%; 5 homozygotes.

Submission:

CeGaT Center for Human Genetics Tuebingen
Classification: Likely benign. Last evaluated: 2025-06-01. Review status: criteria provided, single submitter. Criteria: CeGaT Center For Human Genetics Tuebingen Variant Classification Criteria Version 2. Collection method: clinical testing. Allele origin: germline. Affected: yes. Observed: 1 variant allele.
Comment: PMM1: BP4, BP7